The following is an entry in ClinVar:

ClinVar aggregate classification (germline): Uncertain significance (1 of 4 stars; one submission).

Allele frequency attached by ClinVar (database versions not stated): ExAC 0.00003; gnomAD exomes 0.00003; gnomAD 0.00008 and 0.00009; TOPMed 0.00008; ESP Exome Variant Server 0.00015.
gnomAD v4.1: 61 of 1,613,754 alleles (0.0038%); highest among the groups gnomAD compares: African/African-American, 0.017%; 1 homozygote.

Submission:

Labcorp Genetics (formerly Invitae), Labcorp
Classification: Uncertain significance. Last evaluated: 2026-01-26. Review status: criteria provided, single submitter. Criteria: Invitae Variant Classification Sherloc (09022015). Collection method: clinical testing. Allele origin: germline.
Comment: This sequence change replaces arginine, which is basic and polar, with threonine, which is neutral and polar, at codon 663 of the ZNF408 protein (p.Arg663Thr). This variant is present in population databases (rs370886120, gnomAD 0.01%). This missense change has been observed in individual(s) with familial exudative vitreoretinopathy (PMID: 30097784). ClinVar contains an entry for this variant (Variation ID: 1511522). An algorithm developed to predict the effect of missense changes on protein structure and function (PolyPhen-2) suggests that this variant is likely to be tolerated. In summary, the available evidence is currently insufficient to determine the role of this variant in disease. Therefore, it has been classified as a Variant of Uncertain Significance.

Literature cited by the submitters: PubMed 30097784.

NM_024741.3(ZNF408):c.1988G>C (p.Arg663Thr)

Gene: ZNF408 (zinc finger protein 408; plus strand). Cytogenetic location: 11p11.2.
Variant type: single nucleotide variant.
Coding change: c.1988G>C on transcript NM_024741.3 (MANE Select); coding-DNA position 1988, G replaced by C.
Protein change: p.Arg663Thr; replaces arginine 663 with threonine.
Molecular consequence: missense variant.
Genome position (GRCh38, 1-based): chr11:46,705,688, G>C. VCF-style: chr11-46705688-G-C. GRCh37 (hg19) VCF-style: chr11-46727238-G-C.
Other names: c.1964G>C, p.Arg655Thr (NM_001184751.2); short protein forms R655T, R663T.
Identifiers: ClinVar variation 1511522 (VCV001511522.6), dbSNP rs370886120, ClinGen allele CA5966686.